The following is an entry in ClinVar:

ClinVar aggregate classification (germline): Uncertain significance (1 of 4 stars; one submission).

gnomAD v4.1: 18 of 1,613,528 alleles (0.0011%); highest among the groups gnomAD compares: African/African-American, 0.011%; no homozygotes.

Submission:

Dasa
Classification: Uncertain significance. Last evaluated: 2025-11-12. Review status: criteria provided, single submitter. Criteria: DASA Assertion Criteria. Collection method: clinical testing. Allele origin: germline.
Comment: NM_001386298.1(CIC):c.7023C>T (p.Cys2341=) is a synonymous variant predicted not to alter the encoded amino acid sequence. This variant is rare in population databases. Computational prediction algorithms are consistent with a deleterious effect. The currently available literature and clinical evidence are not sufficient to establish a definitive association between this variant and the reported condition. Therefore, this variant is classified as a variant of uncertain significance.

NM_001386298.1(CIC):c.7023C>T (p.Cys2341=)

Gene: CIC (capicua transcriptional repressor; plus strand). Cytogenetic location: 19q13.2.
Variant type: single nucleotide variant.
Coding change: c.7023C>T on transcript NM_001386298.1 (MANE Select); coding-DNA position 7023, C replaced by T.
Protein change: p.Cys2341=; no amino-acid change (cysteine 2341 retained).
Molecular consequence: synonymous variant.
Genome position (GRCh38, 1-based): chr19:42,294,273, C>T. VCF-style: chr19-42294273-C-T. GRCh37 (hg19) VCF-style: chr19-42798425-C-T.
Other names: c.4293C>T, p.Cys1431= (NM_001439189.1, NM_001439190.1, NM_001379485.1); c.4290C>T, p.Cys1430= (NM_001439191.1); c.4296C>T, p.Cys1432= (NM_015125.5, NM_001379484.1); c.7023C>T, p.Cys2341= (NM_001304815.2, NM_001439186.1); c.7020C>T, p.Cys2340= (NM_001379480.1, NM_001379482.1, NM_001439183.1 and 1 more transcripts); c.7017C>T, p.Cys2339= (NM_001439184.1, NM_001439185.1, NM_001439188.1).
Identifiers: ClinVar variation 4883562 (VCV004883562.2).